The following is an entry in ClinVar:

NM_170606.3(KMT2C):c.5114G>A (p.Arg1705His)

Gene: KMT2C (lysine methyltransferase 2C; minus strand). Cytogenetic location: 7q36.1.
Variant type: single nucleotide variant.
Coding change: c.5114G>A on transcript NM_170606.3 (MANE Select); coding-DNA position 5114, G replaced by A.
Protein change: p.Arg1705His; replaces arginine 1705 with histidine.
Molecular consequence: missense variant.
Genome position (GRCh38, 1-based): chr7:152,183,125, C>T on the plus strand (G>A on the coding strand, the complement: KMT2C is on the minus strand). VCF-style: chr7-152183125-C-T. GRCh37 (hg19) VCF-style: chr7-151880210-C-T.
Other names: short protein forms R1705H.
Identifiers: ClinVar variation 1211901 (VCV001211901.3), dbSNP rs2129121601, ClinGen allele CA370100420.

ClinVar aggregate classification (germline): Uncertain significance (1 of 4 stars; one submission).

Submission:

GeneDx
Classification: Uncertain significance. Last evaluated: 2019-12-09. Review status: criteria provided, single submitter. Criteria: GeneDx Variant Classification Process June 2021. Collection method: clinical testing. Allele origin: germline. Affected: yes.
Comment: Not observed in large population cohorts (Lek et al., 2016); In silico analysis, which includes protein predictors and evolutionary conservation, supports a deleterious effect; Has not been previously published as pathogenic or benign to our knowledge